The following is an entry in ClinVar:

ClinVar aggregate classification (germline): Pathogenic (1 of 4 stars; one submission).

Conditions:
Glycogen storage disease type III (GSD3). Also called: FORBES DISEASE; Cori disease. Identifiers: Orphanet 366, MedGen C0017922, MONDO:0009291, OMIM 232400.

Submission:

Myriad Genetics, Inc.
Classification: Pathogenic for Glycogen storage disease type III. Last evaluated: 2024-07-25. Review status: criteria provided, single submitter. Criteria: Myriad Autosomal Dominant, Autosomal Recessive and X-Linked Classification Criteria (2023). Collection method: clinical testing. Allele origin: unknown.
Comment: NM_000642.2(AGL):c.492_493delGA(Q164Hfs*6) is expected to be pathogenic in the context of glycogen storage disease type III. This variant is predicted to lead to an abnormal or absent protein product due to the creation of a premature termination codon in AGL, a gene where loss-of-function variants are known to be pathogenic. Please note: this variant was assessed in the context of healthy population screening.

NM_000642.3(AGL):c.492_493del (p.Gln164fs)

Gene: AGL (amylo-alpha-1,6-glucosidase and 4-alpha-glucanotransferase; plus strand). Cytogenetic location: 1p21.2.
Variant type: Deletion.
Coding change: c.492_493del on transcript NM_000642.3 (MANE Select); coding-DNA positions 492 to 493, 2 bases deleted (GA; older notation c.492_493delGA).
Protein change: p.Gln164fs; shifts the reading frame from glutamine 164.
Molecular consequence: frameshift variant. On other transcripts: intron variant (2).
Genome position (GRCh38, 1-based): chr1:99,864,417-99,864,418, GA deleted; deleting any 2 consecutive bases within chr1:99,864,416-99,864,418 gives the same sequence; the c. name uses the placement nearest the transcript's 3' end. VCF-style (leftmost placement, unchanged base first): chr1-99864415-CAG-C. GRCh37 (hg19) VCF-style: chr1-100329971-CAG-C.
Other names: c.492_493del, p.Gln164fs (NM_000028.3, NM_000643.3, NM_000644.3 and 3 more transcripts); c.444_445del, p.Gln148fs (NM_000646.3); c.114_115del, p.Gln38fs (NM_001425332.1); c.460+1994_460+1995del (NM_001425328.1, NM_001425329.1); short protein forms Q148fs, Q164fs, Q38fs.
Identifiers: ClinVar variation 5013360 (VCV005013360.1).